The following is an entry in ClinVar:

NM_004370.6(COL12A1):c.4531A>G (p.Lys1511Glu)

Gene: COL12A1 (collagen type XII alpha 1 chain; minus strand). Cytogenetic location: 6q13.
Variant type: single nucleotide variant.
Coding change: c.4531A>G on transcript NM_004370.6 (MANE Select); coding-DNA position 4531, A replaced by G.
Protein change: p.Lys1511Glu; replaces lysine 1511 with glutamic acid.
Molecular consequence: missense variant.
Genome position (GRCh38, 1-based): chr6:75,146,131, T>C on the plus strand (A>G on the coding strand, the complement: COL12A1 is on the minus strand). VCF-style: chr6-75146131-T-C. GRCh37 (hg19) VCF-style: chr6-75855847-T-C.
Other names: c.4531A>G (NM_004370.5); c.1039A>G, p.Lys347Glu (NM_080645.3); short protein forms K1511E, K347E.
Identifiers: ClinVar variation 1466295 (VCV001466295.9), dbSNP rs763614780, ClinGen allele CA3893428.

ClinVar aggregate classification (germline): Uncertain significance. Review status: criteria provided, multiple submitters, no conflicts (2 of 4 stars). 2 submissions from 2 submitters: Uncertain significance (2). Last evaluated 2023-02-28.

Conditions:
Inborn genetic diseases. Identifiers: MedGen C0950123, MeSH D030342.
Ullrich congenital muscular dystrophy 2 (UCMD2). Identifiers: Orphanet 75840, MedGen C4225314, MONDO:0014654, OMIM 616470.
Bethlem myopathy 2 (BTHLM2). Identifiers: Orphanet 536516, Orphanet 610, MedGen C4225313, MONDO:0034022, OMIM 616471.

Allele frequency attached by ClinVar (database versions not stated): gnomAD exomes below 0.00001 and 0.00001; ExAC 0.00001.
gnomAD v4.1: 1 of 1,611,368 alleles (0.000062%); highest among the groups gnomAD compares: East Asian, 0.0022%; no homozygotes.

Submissions (2):

Ambry Genetics
Classification: Uncertain significance for Inborn genetic diseases. Last evaluated: 2023-02-28. Review status: criteria provided, single submitter. Criteria: Ambry Variant Classification Scheme 2023. Collection method: clinical testing. Allele origin: germline.

Labcorp Genetics (formerly Invitae), Labcorp
Classification: Uncertain significance for Bethlem myopathy 2; Ullrich congenital muscular dystrophy 2. Last evaluated: 2020-12-14. Review status: criteria provided, single submitter. Criteria: Invitae Variant Classification Sherloc (09022015). Collection method: clinical testing. Allele origin: germline.
Comment: In summary, the available evidence is currently insufficient to determine the role of this variant in disease. Therefore, it has been classified as a Variant of Uncertain Significance. Algorithms developed to predict the effect of missense changes on protein structure and function output the following: SIFT: "Tolerated"; PolyPhen-2: "Benign"; Align-GVGD: "Class C0". The glutamic acid amino acid residue is found in multiple mammalian species, suggesting that this missense change does not adversely affect protein function. These predictions have not been confirmed by published functional studies and their clinical significance is uncertain. This variant has not been reported in the literature in individuals with COL12A1-related conditions. This variant is present in population databases (rs763614780, ExAC no frequency). This sequence change replaces lysine with glutamic acid at codon 1511 of the COL12A1 protein (p.Lys1511Glu). The lysine residue is weakly conserved and there is a small physicochemical difference between lysine and glutamic acid.